The following is an entry in ClinVar:

ClinVar aggregate classification (germline): Uncertain significance. Review status: criteria provided, multiple submitters, no conflicts (2 of 4 stars). 6 submissions from 6 submitters: Uncertain significance (6). Last evaluated 2024-10-24.

Conditions:
Short-rib thoracic dysplasia 7 with or without polydactyly (SRTD7). Also called: SHORT-RIB THORACIC DYSPLASIA 7 WITH POLYDACTYLY; Short rib polydactyly syndrome 5. Identifiers: Orphanet 498497, Orphanet 93271, MedGen C3279792, MONDO:0013569, OMIM 614091.
Inborn genetic diseases. Identifiers: MedGen C0950123, MeSH D030342.
Cranioectodermal dysplasia 2 (CED2). Identifiers: Orphanet 1515, MedGen C3150874, MONDO:0013323, OMIM 613610.

Allele frequency attached by ClinVar (database versions not stated): gnomAD 0.00001; gnomAD exomes 0.00001 and 0.00003; TOPMed 0.00002; ExAC 0.00005; 1000 Genomes Project 30x 0.00016; 1000 Genomes Project 0.00020.
gnomAD v4.1: 27 of 1,613,346 alleles (0.0017%); highest among the groups gnomAD compares: East Asian, 0.0045%; no homozygotes.

Submissions (6):

Revvity Omics, Revvity
Classification: Uncertain significance. Last evaluated: 2024-10-24. Review status: criteria provided, single submitter. Criteria: ACMG Guidelines, 2015. Collection method: clinical testing. Allele origin: germline.

Labcorp Genetics (formerly Invitae), Labcorp
Classification: Uncertain significance for Cranioectodermal dysplasia 2; Short-rib thoracic dysplasia 7 with or without polydactyly. Last evaluated: 2024-09-28. Review status: criteria provided, single submitter. Criteria: Invitae Variant Classification Sherloc (09022015). Collection method: clinical testing. Allele origin: germline.
Comment: This sequence change replaces arginine, which is basic and polar, with cysteine, which is neutral and slightly polar, at codon 557 of the WDR35 protein (p.Arg557Cys). This variant is present in population databases (rs549077153, gnomAD 0.02%). This variant has not been reported in the literature in individuals affected with WDR35-related conditions. ClinVar contains an entry for this variant (Variation ID: 333391). An algorithm developed to predict the effect of missense changes on protein structure and function (PolyPhen-2) suggests that this variant is likely to be disruptive. In summary, the available evidence is currently insufficient to determine the role of this variant in disease. Therefore, it has been classified as a Variant of Uncertain Significance.

GeneDx
Classification: Uncertain significance. Last evaluated: 2023-08-28. Review status: criteria provided, single submitter. Criteria: GeneDx Variant Classification Process June 2021. Collection method: clinical testing. Allele origin: germline. Affected: yes.
Comment: In silico analysis supports that this missense variant has a deleterious effect on protein structure/function; Has not been previously published as pathogenic or benign to our knowledge

Ambry Genetics
Classification: Uncertain significance for Inborn genetic diseases. Last evaluated: 2022-06-10. Review status: criteria provided, single submitter. Criteria: Ambry Variant Classification Scheme 2023. Collection method: clinical testing. Allele origin: germline.

Victorian Clinical Genetics Services, Murdoch Childrens Research Institute
Classification: Uncertain significance for Short-rib thoracic dysplasia 7 with or without polydactyly. Last evaluated: 2020-05-21. Review status: criteria provided, single submitter. Criteria: ACMG Guidelines, 2015. Collection method: clinical testing. Allele origin: germline. Inheritance: Autosomal recessive inheritance. Affected: yes.
Comment: Based on the classification scheme VCGS_Germline_v1.1.1, this variant is classified as VUS – 3A. Following criteria are met: 0102 - Loss-of-function is a known mechanism of disease for this gene. (N) 0106 - This gene is known to be associated with autosomal recessive disease. (N) 0200 - Variant is predicted to result in a missense amino acid change from arginine to cysteine (exon 17). It is also present close to the intron-exon junction, and so has a potential effect on splicing. (N) 0251 - Variant is heterozygous. (N) 0304 - Variant is present in gnomAD <0.01 for a recessive condition (8 heterozygotes, 0 homozygotes). (P) 0309 - An alternative amino acid change at the same position has been observed in gnomAD (38 heterozygotes, 0 homozygotes). (N) 0501 - Missense variant consistently predicted to be damaging by multiple in silico tools and highly conserved with a major amino acid change. (P) 0508 – In silico predictions for abnormal splicing are conflicting. (N) 0604 - Variant is not located in an established domain, motif, hotspot or informative constraint region. (N) 0705 - A comparable variant (histidine) has previously been described as variant of uncertain significance (LOVD). (N) 0804 - Variant has previously been described as variant of uncertain significance (ClinVar). (P) 0905 - No segregation evidence has been identified for this variant, in the literature. (N) 1007 - No published functional evidence has been identified for this variant. (N) 1208 - Inheritance information for this variant is not currently available. (N) Legend: (P) - Pathogenic, (N) - Neutral, (B) - Benign

Juno Genomics, Hangzhou Juno Genomics, Inc
Classification: Uncertain significance for Cranioectodermal dysplasia 2; Short-rib thoracic dysplasia 7 with or without polydactyly. Review status: criteria provided, single submitter. Criteria: ACMG Guidelines, 2015. Collection method: clinical testing. Allele origin: germline.
Comment: Absent from controls (or at extremely low frequency if recessive) in Genome Aggregation Database.;Multiple lines of computational evidence support a deleterious effect on the gene or gene product.

NM_020779.4(WDR35):c.1636C>T (p.Arg546Cys)

Gene: WDR35 (WD repeat domain 35; minus strand). Cytogenetic location: 2p24.1.
Variant type: single nucleotide variant.
Coding change: c.1636C>T on transcript NM_020779.4 (MANE Select); coding-DNA position 1636, C replaced by T.
Protein change: p.Arg546Cys; replaces arginine 546 with cysteine.
Molecular consequence: missense variant.
Genome position (GRCh38, 1-based): chr2:19,945,995, G>A on the plus strand (C>T on the coding strand, the complement: WDR35 is on the minus strand). VCF-style: chr2-19945995-G-A. GRCh37 (hg19) VCF-style: chr2-20145756-G-A.
Other names: c.1669C>T, p.Arg557Cys (NM_001006657.2); short protein forms R557C, R546C.
Identifiers: ClinVar variation 333391 (VCV000333391.19), dbSNP rs549077153, ClinGen allele CA1543142.